The following is an entry in ClinVar:

NM_000243.3(MEFV):c.116G>A (p.Arg39Lys)

Gene: MEFV (MEFV innate immunity regulator, pyrin; minus strand). Cytogenetic location: 16p13.3.
Variant type: single nucleotide variant.
Coding change: c.116G>A on transcript NM_000243.3 (MANE Select); coding-DNA position 116, G replaced by A.
Protein change: p.Arg39Lys; replaces arginine 39 with lysine.
Molecular consequence: missense variant.
Genome position (GRCh38, 1-based): chr16:3,256,472, C>T on the plus strand (G>A on the coding strand, the complement: MEFV is on the minus strand). VCF-style: chr16-3256472-C-T. GRCh37 (hg19) VCF-style: chr16-3306472-C-T.
Other names: c.116G>A, p.Arg39Lys (NM_001198536.2); short protein forms R39K.
Identifiers: ClinVar variation 495750 (VCV000495750.14), dbSNP rs141288548, ClinGen allele CA7860532.
Genomic context (GRCh38, chr16:3,256,472, plus strand): 5'-GTGACCAGCAGAGTGGCCATCTTCACCGGCCTGGCTCTCTGGATCTGGCTCCGGGGGATC[C>T]TGGAGTGCTCCTTCTGCACACTGGTGTTCTGCAGCTTGAACTTGAACTTCTCGAAGTCAT-3'
Protein context (NP_000234.1, residues 29-49): QNTSVQKEHS[Arg39Lys]IPRSQIQRAR

ClinVar aggregate classification (germline): Conflicting classifications of pathogenicity. Review status: criteria provided, conflicting classifications (1 of 4 stars). 7 submissions from 5 submitters: Uncertain significance (4); Likely benign (2). 1 of the submissions does not count toward it. Last evaluated 2024-05-10.

Conditions:
Familial Mediterranean fever (FMF). Also called: POLYSEROSITIS, FAMILIAL PAROXYSMAL; POLYSEROSITIS, RECURRENT; Periodic peritonitis; Benign paroxysmal peritonitis. Identifiers: Orphanet 342, MedGen C0031069, MONDO:0018088, OMIM 249100. Disease mechanism: gain of function.
Acute febrile neutrophilic dermatosis (AFND). Also called: Sweet Syndrome; Gomm Button disease. Identifiers: Orphanet 3243, MedGen C0085077, MONDO:0011959, OMIM 608068.
Familial Mediterranean fever, autosomal dominant. Also called: FMF, AUTOSOMAL DOMINANT; Dominant Familial Mediterranean Fever. Identifiers: Orphanet 342, MedGen C1851347, MONDO:0007601, OMIM 134610.

Allele frequency attached by ClinVar (database versions not stated): gnomAD exomes 0.00002 and 0.00001; ESP Exome Variant Server 0.00008; TOPMed 0.00003; ExAC 0.00001; gnomAD 0.00006.

Submissions (7):

Fulgent Genetics
Classification: Uncertain significance for Familial Mediterranean fever, autosomal dominant; Familial Mediterranean fever; Acute febrile neutrophilic dermatosis. Last evaluated: 2024-05-10. Review status: criteria provided, single submitter. Criteria: ACMG Guidelines, 2015. Collection method: clinical testing. Allele origin: germline.

Genome-Nilou Lab
Classification: Uncertain significance for Familial Mediterranean fever. Last evaluated: 2023-02-08. Review status: criteria provided, single submitter. Criteria: ACMG Guidelines, 2015. Collection method: clinical testing. Allele origin: germline.

Genome-Nilou Lab
Classification: Likely benign for Familial Mediterranean fever, autosomal dominant. Last evaluated: 2023-02-08. Review status: criteria provided, single submitter. Criteria: ACMG Guidelines, 2015. Collection method: clinical testing. Allele origin: germline.

Genome-Nilou Lab
Classification: Likely benign for Acute febrile neutrophilic dermatosis. Last evaluated: 2023-02-08. Review status: criteria provided, single submitter. Criteria: ACMG Guidelines, 2015. Collection method: clinical testing. Allele origin: germline.

Labcorp Genetics (formerly Invitae), Labcorp
Classification: Uncertain significance for Familial Mediterranean fever. Last evaluated: 2022-08-16. Review status: criteria provided, single submitter. Criteria: Invitae Variant Classification Sherloc (09022015). Collection method: clinical testing. Allele origin: germline.
Comment: This sequence change replaces arginine, which is basic and polar, with lysine, which is basic and polar, at codon 39 of the MEFV protein (p.Arg39Lys). This variant is present in population databases (rs141288548, gnomAD 0.02%). This variant has not been reported in the literature in individuals affected with MEFV-related conditions. ClinVar contains an entry for this variant (Variation ID: 495750). Algorithms developed to predict the effect of missense changes on protein structure and function are either unavailable or do not agree on the potential impact of this missense change (SIFT: "Tolerated"; PolyPhen-2: "Possibly Damaging"; Align-GVGD: "Class C0"). In summary, the available evidence is currently insufficient to determine the role of this variant in disease. Therefore, it has been classified as a Variant of Uncertain Significance.

Women's Health and Genetics/Laboratory Corporation of America, LabCorp
Classification: Uncertain significance. Last evaluated: 2017-05-12. Review status: criteria provided, single submitter. Criteria: LabCorp Variant Classification Summary - May 2015. Collection method: clinical testing. Allele origin: germline.
Comment: Variant summary: The MEFV c.116G>A (p.Arg39Lys) variant involves the alteration of a non-conserved nucleotide. 4/4 in silico tools predict a benign outcome for this variant (SNPsandGO not captured due to low reliability index). This variant was found in 1/121374 control chromosomes at a frequency of 0.0000082, which does not exceed the estimated maximal expected allele frequency of a pathogenic MEFV variant (0.0216506). The variant of interest has not, to our knowledge, been reported in affected individuals via publications and/or reputable databases/clinical diagnostic laboratories; nor evaluated for functional impact by in vivo/vitro studies. Because of the absence of clinical information and the lack of functional studies, the variant is classified as a variant of uncertain significance (VUS) until additional information becomes available.

Natera, Inc.
Classification: Uncertain significance for Familial Mediterranean fever. Last evaluated: 2019-10-28. Review status: no assertion criteria provided. Collection method: clinical testing. Allele origin: germline. Not counted in ClinVar's aggregate classification.